The following is an entry in ClinVar:

ClinVar aggregate classification (germline): Pathogenic/Likely pathogenic. Review status: criteria provided, multiple submitters, no conflicts (2 of 4 stars). 16 submissions from 16 submitters: Pathogenic (11); Likely pathogenic (2). 3 of the submissions do not count toward it. Last evaluated 2026-01-13.

Conditions:
Wilson disease (WND). Also called: Wilson's disease. Identifiers: Orphanet 905, MedGen C0019202, MONDO:0010200, OMIM 277900. Disease mechanism: loss of function.

Allele frequency attached by ClinVar (database versions not stated): ExAC 0.00001; gnomAD 0.00001; gnomAD exomes 0.00001 and 0.00002; TOPMed 0.00001; 1000 Genomes Project 30x 0.00016; 1000 Genomes Project 0.00020.
gnomAD v4.1: 19 of 1,614,208 alleles (0.0012%); highest among the groups gnomAD compares: South Asian, 0.015%; no homozygotes.

Submissions 1 to 12 of 16:

Labcorp Genetics (formerly Invitae), Labcorp
Classification: Pathogenic for Wilson disease. Last evaluated: 2026-01-13. Review status: criteria provided, single submitter. Criteria: Invitae Variant Classification Sherloc (09022015). Collection method: clinical testing. Allele origin: germline.
Comment: This sequence change replaces isoleucine, which is neutral and non-polar, with threonine, which is neutral and polar, at codon 1102 of the ATP7B protein (p.Ile1102Thr). This variant is present in population databases (rs560952220, gnomAD 0.01%). This missense change has been observed in individual(s) with Wilson disease (PMID: 7626145, 24003324, 30980273). This variant is also known as Ile1103Thr. ClinVar contains an entry for this variant (Variation ID: 430725). Invitae Evidence Modeling of protein sequence and biophysical properties (such as structural, functional, and spatial information, amino acid conservation, physicochemical variation, residue mobility, and thermodynamic stability) indicates that this missense variant is expected to disrupt ATP7B protein function with a positive predictive value of 80%. Experimental studies have shown that this missense change affects ATP7B function (PMID: 20333758). For these reasons, this variant has been classified as Pathogenic.

Natera, Inc.
Classification: Pathogenic for Wilson disease. Last evaluated: 2025-02-24. Review status: criteria provided, single submitter. Criteria: Natera Variant Classification Schema (03/2026). Collection method: clinical testing. Allele origin: germline.
Comment: The c.3305T>C variant in ATP7B is a missense variant predicted to cause substitution of isoleucine to threonine at amino acid 1102. This variant is rare in the general population with a frequency below the threshold expected for the associated phenotype(s). This variant has been observed in one or more individuals affected with the associated recessive disease, as either homozygous or compound heterozygous with a second variant (PMID: 12885331, 11243728, 23518715). Given the available evidence, this variant is classified as Pathogenic.

Fulgent Genetics
Classification: Likely pathogenic for Wilson disease. Last evaluated: 2024-05-13. Review status: criteria provided, single submitter. Criteria: ACMG Guidelines, 2015. Collection method: clinical testing. Allele origin: germline.

All of Us Research Program, National Institutes of Health
Classification: Pathogenic for Wilson disease. Last evaluated: 2024-02-05. Review status: criteria provided, single submitter. Criteria: ACMG Guidelines, 2015. Collection method: clinical testing. Allele origin: germline. Inheritance: Autosomal recessive inheritance. Observed: 1 variant allele, 1 heterozygote.
Comment: This missense variant replaces isoleucine with threonine at codon 1102 of the ATP7B protein. Computational prediction suggests that this variant may have deleterious impact on protein structure and function (internally defined REVEL score threshold >= 0.7, PMID: 27666373). This variant is located in the N domain of the ATP7B protein (a.a. 1032 - 1196), a functionally important region required for ATP binding and hydrolysis that provides energy needed for transportation of copper (PMID: 35245129). A functional study in yeast has shown that the mutant protein is unable to support normal cell growth (PMID: 20333758). This variant has been observed in over ten homozygous individuals with affected with autosomal recessive Wilson disease (PMID: 7626145, 10981891, 17160357, 23518715, 24003324, 24094725, 30120852, 30980273) and two other affected individuals who carried another pathogenic variant in the same gene in compound heterozygous state (PMID: 16195917, 30120852). This variant has been identified in 5/249578 chromosomes in the general population by the Genome Aggregation Database (gnomAD). Based on the available evidence, this variant is classified as Pathogenic.

This study involves interpretation of variants in research participants for the purpose of population health screening. Participant phenotype was not available at the time of variant classification. Additional details can be found in publication PMID: 35346344, PMCID: PMC8962531

Baylor Genetics
Classification: Pathogenic for Wilson disease. Last evaluated: 2023-07-20. Review status: criteria provided, single submitter. Criteria: ACMG Guidelines, 2015. Collection method: clinical testing. Allele origin: unknown.

Victorian Clinical Genetics Services, Murdoch Childrens Research Institute
Classification: Pathogenic for Wilson disease. Last evaluated: 2023-07-17. Review status: criteria provided, single submitter. Criteria: ACMG Guidelines, 2015. Collection method: clinical testing. Allele origin: germline. Inheritance: Autosomal recessive inheritance. Affected: yes.
Comment: Based on the classification scheme VCGS_Germline_v1.3.4, this variant is classified as Pathogenic. Following criteria are met: 0102 - Loss of function is a known mechanism of disease in this gene and is associated with Wilson disease (MIM#277900). (I) 0106 - This gene is associated with autosomal recessive disease. (I) 0200 - Variant is predicted to result in a missense amino acid change from isoleucine to threonine. (I) 0252 - This variant is homozygous. (I) 0304 - Variant is present in gnomAD (v2) <0.01 for a recessive condition (5 heterozygotes, 0 homozygotes). (SP) 0501 - Missense variant consistently predicted to be damaging by multiple in silico tools or highly conserved with a major amino acid change. (SP) 0600 - Variant is located in the annotated Hydrolase domain (DECIPHER). (I) 0801 - This variant has strong previous evidence of pathogenicity in unrelated individuals. This variant has been identified in >10 unrelated individuals with Wilson disease in homozygous and compound heterozygous states (ClinVar, LOVD, PMID: 17160357, PMID: 30980273, PMID: 36096368, PMID: 24003324). (SP) 1208 - Inheritance information for this variant is not currently available in this individual. (I) Legend: (SP) - Supporting pathogenic, (I) - Information, (SB) - Supporting benign

Revvity Omics, Revvity
Classification: Pathogenic for Wilson disease. Last evaluated: 2023-04-28. Review status: criteria provided, single submitter. Criteria: ACMG Guidelines, 2015. Collection method: clinical testing. Allele origin: germline.

Mayo Clinic Laboratories, Mayo Clinic
Classification: Pathogenic. Last evaluated: 2022-10-25. Review status: criteria provided, single submitter. Criteria: ACMG Guidelines, 2015. Collection method: clinical testing. Allele origin: germline. Observed: 1 variant allele.
Comment: PP3, PP4, PM2, PM3_strong, PS3, PS4_moderate

Genome-Nilou Lab
Classification: Pathogenic for Wilson disease. Last evaluated: 2021-08-10. Review status: criteria provided, single submitter. Criteria: ACMG Guidelines, 2015. Collection method: clinical testing. Allele origin: germline. Affected: no.

Women's Health and Genetics/Laboratory Corporation of America, LabCorp
Classification: Pathogenic for Wilson disease. Last evaluated: 2020-09-21. Review status: criteria provided, single submitter. Criteria: LabCorp Variant Classification Summary - May 2015. Collection method: clinical testing. Allele origin: germline.
Comment: Variant summary: ATP7B c.3305T>C (p.Ile1102Thr) results in a non-conservative amino acid change in the encoded protein sequence. Five of five in-silico tools predict a damaging effect of the variant on protein function. The variant allele was found at a frequency of 2e-05 in 249578 control chromosomes (gnomAD). c.3305T>C has been reported in the literature in multiple individuals affected with Wilson Disease (example: Butler_2001, Kumar_2007, Dastsooz_2013). These data indicate that the variant is very likely to be associated with disease. In a yeast complementation functional assay, the variant was found to have intermediate to severe deficit (Luoma_2010). One other ClinVar submitter (evaluation after 2014) cite the variant as pathogenic. Based on the evidence outlined above, the variant was classified as pathogenic.

Laboratory for Molecular Medicine, Mass General Brigham Personalized Medicine
Classification: Likely pathogenic for Wilson disease. Last evaluated: 2020-06-11. Review status: criteria provided, single submitter. Criteria: ACMG Guidelines, 2015. Collection method: clinical testing. Allele origin: germline.
Comment: The p.Ile1102Thr variant in ATP7B has been previously reported in several individuals with Wilson disease, including 3 homozygotes and 1 compound heterozygote (Butler 2001, Coffey 2013, Dastsooz 2013, Thomas 1995). This variant is reported in ClinVar (ID 430725) and has been identified in 4/30602 of South Asian chromosomes by gnomAD. Computational prediction tools and conservation analysis suggest that this variant may impact the protein, and a functional study also indicated an impact to the protein (Luoma 2010). In summary, although additional studies are required to fully establish its clinical significance, this variant meets criteria to be classified as likely pathogenic for autosomal recessive Wilson disease. ACMG/AMP criteria applied: PM2, PM3, PP3, PP4, PS3_Supporting.

CENTOGENE GmbH and LLC - Guiding Precision Medicine
Classification: Pathogenic for Wilson disease. Review status: criteria provided, single submitter. Criteria: ACMG Guidelines, 2015. Collection method: clinical testing. Allele origin: germline. Affected: yes.

NM_000053.4(ATP7B):c.3305T>C (p.Ile1102Thr)

Gene: ATP7B (ATPase copper transporting beta; minus strand). Cytogenetic location: 13q14.3.
Variant type: single nucleotide variant.
Coding change: c.3305T>C on transcript NM_000053.4 (MANE Select); coding-DNA position 3305, T replaced by C.
Protein change: p.Ile1102Thr; replaces isoleucine 1102 with threonine.
Molecular consequence: missense variant.
Genome position (GRCh38, 1-based): chr13:51,942,493, A>G on the plus strand (T>C on the coding strand, the complement: ATP7B is on the minus strand). VCF-style: chr13-51942493-A-G. GRCh37 (hg19) VCF-style: chr13-52516629-A-G.
Other names: p.Ile1102Thr; c.2684T>C, p.Ile895Thr (NM_001005918.3); c.2972T>C, p.Ile991Thr (NM_001243182.2); c.3071T>C, p.Ile1024Thr (NM_001330578.2); c.3053T>C, p.Ile1018Thr (NM_001330579.2); short protein forms I1102T, I1018T, I1024T, I991T, I895T.
Identifiers: ClinVar variation 430725 (VCV000430725.31), dbSNP rs560952220, ClinGen allele CA6988743.